The following is an entry in ClinVar:

ClinVar aggregate classification (germline): Uncertain significance (1 of 4 stars; one submission).

Allele frequency attached by ClinVar (database versions not stated): gnomAD exomes 0.00001 and 0.00003; TOPMed 0.00001; ExAC 0.00002; gnomAD 0.00003.
gnomAD v4.1: 24 of 1,613,956 alleles (0.0015%); highest among the groups gnomAD compares: Non-Finnish European, 0.0014%; no homozygotes.

Submission:

Labcorp Genetics (formerly Invitae), Labcorp
Classification: Uncertain significance. Last evaluated: 2025-07-29. Review status: criteria provided, single submitter. Criteria: Invitae Variant Classification Sherloc (09022015). Collection method: clinical testing. Allele origin: germline.
Comment: This sequence change replaces alanine, which is neutral and non-polar, with valine, which is neutral and non-polar, at codon 221 of the RP1 protein (p.Ala221Val). This variant is present in population databases (rs760561079, gnomAD 0.004%). This variant has not been reported in the literature in individuals affected with RP1-related conditions. ClinVar contains an entry for this variant (Variation ID: 1404580). An algorithm developed to predict the effect of missense changes on protein structure and function outputs the following: PolyPhen-2: "Probably Damaging". The valine amino acid residue is found in multiple mammalian species, which suggests that this missense change does not adversely affect protein function. In summary, the available evidence is currently insufficient to determine the role of this variant in disease. Therefore, it has been classified as a Variant of Uncertain Significance.

NM_006269.2(RP1):c.662C>T (p.Ala221Val)

Gene: RP1 (RP1 axonemal microtubule associated; plus strand). Cytogenetic location: 8q12.1.
Variant type: single nucleotide variant.
Coding change: c.662C>T on transcript NM_006269.2 (MANE Select); coding-DNA position 662, C replaced by T.
Protein change: p.Ala221Val; replaces alanine 221 with valine.
Molecular consequence: missense variant.
Genome position (GRCh38, 1-based): chr8:54,622,163, C>T. VCF-style: chr8-54622163-C-T. GRCh37 (hg19) VCF-style: chr8-55534723-C-T.
Other names: c.662C>T, p.Ala221Val (NM_001375654.1); short protein forms A221V.
Identifiers: ClinVar variation 1404580 (VCV001404580.6), dbSNP rs760561079, ClinGen allele CA4751241.